The following is an entry in ClinVar:

ClinVar aggregate classification (germline): Uncertain significance. Review status: criteria provided, single submitter (1 of 4 stars). 3 submissions from 3 submitters: Uncertain significance (1). 2 of the submissions do not count toward it. Last evaluated 2024-12-16.

Conditions:
HOXA13-related disorder. Also called: HOXA13-related condition.

Submissions (3):

Labcorp Genetics (formerly Invitae), Labcorp
Classification: Uncertain significance. Last evaluated: 2024-12-16. Review status: criteria provided, single submitter. Criteria: Invitae Variant Classification Sherloc (09022015). Collection method: clinical testing. Allele origin: germline.
Comment: This variant, c.357_395del, results in the deletion of 13 amino acid(s) of the HOXA13 protein (p.Ala121_Ala133del), but otherwise preserves the integrity of the reading frame. The frequency data for this variant in the population databases is considered unreliable, as metrics indicate poor data quality at this position in the gnomAD database. This variant has not been reported in the literature in individuals affected with HOXA13-related conditions. ClinVar contains an entry for this variant (Variation ID: 591788). Experimental studies and prediction algorithms are not available or were not evaluated, and the functional significance of this variant is currently unknown. In summary, the available evidence is currently insufficient to determine the role of this variant in disease. Therefore, it has been classified as a Variant of Uncertain Significance.

PreventionGenetics, part of Exact Sciences
Classification: Uncertain significance for HOXA13-related condition. Last evaluated: 2023-11-16. Review status: no assertion criteria provided. Collection method: clinical testing. Allele origin: germline. Not counted in ClinVar's aggregate classification.
Comment: The HOXA13 c.357_395del39 variant is predicted to result in an in-frame deletion (p.Ala121_Ala133del). To our knowledge, this variant has not been reported in the literature. This variant is reported in 0.10% of alleles in individuals of African descent in gnomAD. Of note, expansions of this same polyalanine tract region has been reported to be pathogenic for hand-foot-genital syndrome (ins 18 bp, 6 Ala in Utsch. 2002. PubMed ID: 12073020 ; ins 24 bp, 8 Ala in Goodman et al. 2000. PubMed ID:10839976; ins 33 bp, 11 Ala Innis et al. 2004. PubMed ID: 15385446). To our knowledge, however, a contraction in one of these three N-terminal polyalanine tracts has not been reported to cause disease in the literature. At this time, the clinical significance of this variant is uncertain due to the absence of conclusive functional and genetic evidence.

Gharavi Laboratory, Columbia University
Classification: Uncertain significance. Last evaluated: 2018-09-16. Review status: no assertion criteria provided. Criteria: ACMG Guidelines, 2015. Collection method: research. Allele origin: germline. Affected: yes. Not counted in ClinVar's aggregate classification.

NM_000522.5(HOXA13):c.357_395del (p.Ala121_Ala133del)

Genes: HOXA13 (homeobox A13; minus strand), LOC107126288 (NUP98-HOXA13 recombination region; plus strand). Cytogenetic location: 7p15.2.
Variant type: Deletion.
Coding change: c.357_395del on transcript NM_000522.5 (MANE Select); coding-DNA positions 357 to 395, 39 bases deleted.
Protein change: p.Ala121_Ala133del.
Molecular consequence: inframe deletion.
Genome position (GRCh38, 1-based): chr7:27,199,683-27,199,721, 39 bases deleted; deleting any 39 consecutive bases within chr7:27,199,683-27,199,729 gives the same sequence; the c. name uses the placement nearest the transcript's 3' end. GRCh37 (hg19): chr7:27,239,310-27,239,348.
Other names: c.357_395del39 (NM_000522.4).
Identifiers: ClinVar variation 591788 (VCV000591788.7), dbSNP rs1428793938, ClinGen allele CA573759153.
Genomic context (GRCh38, chr7:27,199,682, plus strand): 5'-TTGCTTGGCGGCCTCTGCGCCCGCCGGGCCCGCCGGGCCGGGACCTCCCGAGGACGACGC[GGCGGCGGCGGCGGCGGCTGCAGCGGCAGCCGCGGCAGCA>G]GCGGCGGCAGCCGACGGGGGCGCCTCCCCGGGGGCGCTGCTGTAGGCGGACGCGGCTCCT-3'